The following is an entry in ClinVar:

ClinVar aggregate classification (germline): Uncertain significance (1 of 4 stars; one submission).

Allele frequency attached by ClinVar (database versions not stated): gnomAD exomes below 0.00001.

Submission:

Labcorp Genetics (formerly Invitae), Labcorp
Classification: Uncertain significance. Last evaluated: 2022-10-23. Review status: criteria provided, single submitter. Criteria: Invitae Variant Classification Sherloc (09022015). Collection method: clinical testing. Allele origin: germline.
Comment: This sequence change replaces methionine, which is neutral and non-polar, with valine, which is neutral and non-polar, at codon 927 of the ADCY1 protein (p.Met927Val). This variant is not present in population databases (gnomAD no frequency). This variant has not been reported in the literature in individuals affected with ADCY1-related conditions. Advanced modeling of protein sequence and biophysical properties (such as structural, functional, and spatial information, amino acid conservation, physicochemical variation, residue mobility, and thermodynamic stability) performed at Invitae indicates that this missense variant is expected to disrupt ADCY1 protein function. In summary, the available evidence is currently insufficient to determine the role of this variant in disease. Therefore, it has been classified as a Variant of Uncertain Significance.

NM_021116.4(ADCY1):c.2779A>G (p.Met927Val)

Gene: ADCY1 (adenylate cyclase 1; plus strand). Cytogenetic location: 7p12.3.
Variant type: single nucleotide variant.
Coding change: c.2779A>G on transcript NM_021116.4 (MANE Select); coding-DNA position 2779, A replaced by G.
Protein change: p.Met927Val; replaces methionine 927 with valine.
Molecular consequence: missense variant.
Genome position (GRCh38, 1-based): chr7:45,704,578, A>G. VCF-style: chr7-45704578-A-G. GRCh37 (hg19) VCF-style: chr7-45744177-A-G.
Other names: short protein forms M927V.
Identifiers: ClinVar variation 2035624 (VCV002035624.4), dbSNP rs2484206071, ClinGen allele CA367445804.